The following is an entry in ClinVar:

ClinVar aggregate classification (germline): Uncertain significance (0 of 4 stars; one submission).

Submission:

Leiden Open Variation Database
Classification: Uncertain significance. Last evaluated: 2020-02-28. Review status: no assertion criteria provided. Collection method: curation. Allele origin: germline. Affected: yes.
Comment: Curator: Arleen D. Auerbach. Submitter to LOVD: Daniela Pilonetto.

NM_000135.4(FANCA):c.4006T>G (p.Tyr1336Asp)

Genes: FANCA (FA complementation group A; minus strand), ZNF276 (zinc finger protein 276; plus strand). Cytogenetic location: 16q24.3.
Variant type: single nucleotide variant.
Coding change: c.4006T>G on transcript NM_000135.4 (MANE Select); coding-DNA position 4006, T replaced by G.
Protein change: p.Tyr1336Asp; replaces tyrosine 1336 with aspartic acid.
Molecular consequence: missense variant. On other transcripts: 3 prime UTR variant (2), non-coding transcript variant (4).
Genome position (GRCh38, 1-based): chr16:89,739,482, A>C on the plus strand (T>G on the coding strand, the complement: FANCA is on the minus strand). VCF-style: chr16-89739482-A-C. GRCh37 (hg19) VCF-style: chr16-89805890-A-C.
Other names: c.4006T>G, p.Tyr1336Asp (NM_001286167.3); c.*1236A>C (NM_001113525.2, NM_152287.4); short protein forms Y1336D.
Identifiers: ClinVar variation 974362 (VCV000974362.1), dbSNP rs2062068153, ClinGen allele CA397484743.